The following is an entry in ClinVar:

NM_005257.6(GATA6):c.646G>A (p.Ala216Thr)

Gene: GATA6 (GATA binding protein 6; plus strand). Cytogenetic location: 18q11.2.
Variant type: single nucleotide variant.
Coding change: c.646G>A on transcript NM_005257.6 (MANE Select); coding-DNA position 646, G replaced by A.
Protein change: p.Ala216Thr; replaces alanine 216 with threonine.
Molecular consequence: missense variant.
Genome position (GRCh38, 1-based): chr18:22,171,790, G>A. VCF-style: chr18-22171790-G-A. GRCh37 (hg19) VCF-style: chr18-19751751-G-A.
Other names: short protein forms A216T.
Identifiers: ClinVar variation 2769787 (VCV002769787.3), dbSNP rs1287804596, ClinGen allele CA401800325.

ClinVar aggregate classification (germline): Uncertain significance (1 of 4 stars; one submission).

Conditions:
Atrioventricular septal defect 5 (AVSD5). Identifiers: MedGen C3280939, MONDO:0013769, OMIM 614474.

Allele frequency attached by ClinVar (database versions not stated): gnomAD 0.00001.

Submission:

Labcorp Genetics (formerly Invitae), Labcorp
Classification: Uncertain significance for Atrioventricular septal defect 5. Last evaluated: 2023-10-18. Review status: criteria provided, single submitter. Criteria: Invitae Variant Classification Sherloc (09022015). Collection method: clinical testing. Allele origin: germline.
Comment: This sequence change replaces alanine, which is neutral and non-polar, with threonine, which is neutral and polar, at codon 216 of the GATA6 protein (p.Ala216Thr). This variant is present in population databases (no rsID available, gnomAD 0.007%). This variant has not been reported in the literature in individuals affected with GATA6-related conditions. An algorithm developed to predict the effect of missense changes on protein structure and function (PolyPhen-2) suggests that this variant is likely to be tolerated. In summary, the available evidence is currently insufficient to determine the role of this variant in disease. Therefore, it has been classified as a Variant of Uncertain Significance.